The following is an entry in ClinVar:

ClinVar aggregate classification (germline): Uncertain significance (1 of 4 stars; one submission).

Conditions:
Glycogen storage disease, type V (GSD5). Also called: McArdle type glycogen storage disease; MCARDLE DISEASE; MUSCLE GLYCOGEN PHOSPHORYLASE DEFICIENCY; MYOPHOSPHORYLASE DEFICIENCY; PYGM DEFICIENCY. Identifiers: Orphanet 368, MedGen C0017924, MONDO:0009293, OMIM 232600.

Submission:

Labcorp Genetics (formerly Invitae), Labcorp
Classification: Uncertain significance for Glycogen storage disease, type V. Last evaluated: 2022-11-22. Review status: criteria provided, single submitter. Criteria: Invitae Variant Classification Sherloc (09022015). Collection method: clinical testing. Allele origin: germline.
Comment: In summary, the available evidence is currently insufficient to determine the role of this variant in disease. Therefore, it has been classified as a Variant of Uncertain Significance. This sequence change replaces glycine, which is neutral and non-polar, with arginine, which is basic and polar, at codon 159 of the PYGM protein (p.Gly159Arg). This variant is not present in population databases (gnomAD no frequency). This missense change has been observed in individual(s) with McArdle disease (PMID: 16786513). ClinVar contains an entry for this variant (Variation ID: 1468961). Advanced modeling of protein sequence and biophysical properties (such as structural, functional, and spatial information, amino acid conservation, physicochemical variation, residue mobility, and thermodynamic stability) performed at Invitae indicates that this missense variant is expected to disrupt PYGM protein function.

Literature cited by the submitters: PubMed 16786513.

NM_005609.4(PYGM):c.475G>C (p.Gly159Arg)

Gene: PYGM (glycogen phosphorylase, muscle associated; minus strand). Cytogenetic location: 11q13.1.
Variant type: single nucleotide variant.
Coding change: c.475G>C on transcript NM_005609.4 (MANE Select); coding-DNA position 475, G replaced by C.
Protein change: p.Gly159Arg; replaces glycine 159 with arginine.
Molecular consequence: missense variant. On other transcripts: intron variant (1).
Genome position (GRCh38, 1-based): chr11:64,758,299, C>G on the plus strand (G>C on the coding strand, the complement: PYGM is on the minus strand). VCF-style: chr11-64758299-C-G. GRCh37 (hg19) VCF-style: chr11-64525771-C-G.
Other names: c.244-33G>C (NM_001164716.1); short protein forms G159R.
Identifiers: ClinVar variation 1468961 (VCV001468961.8), dbSNP rs760654579, ClinGen allele CA381109123.